The following is an entry in ClinVar:

ClinVar aggregate classification (germline): Conflicting classifications of pathogenicity. Review status: criteria provided, conflicting classifications (1 of 4 stars). 2 submissions from 2 submitters: Uncertain significance (1); Likely benign (1). Last evaluated 2024-09-20.

Conditions:
Cornelia de Lange syndrome 5 (CDLS5). Also called: HDAC8-Related Cornelia de Lange Syndrome. Identifiers: Orphanet 199, MedGen C3550903, MONDO:0010471, OMIM 300882.

Submissions (2):

3billion
Classification: Likely benign for Cornelia de Lange syndrome 5. Last evaluated: 2024-09-20. Review status: criteria provided, single submitter. Criteria: ACMG Guidelines, 2015. Collection method: clinical testing. Allele origin: germline. Affected: no.
Comment: The hemizygous variant was found in patients diagnosed with another variant in a different gene, with no symptoms related to the gene containing the hemizygous variant.

Labcorp Genetics (formerly Invitae), Labcorp
Classification: Uncertain significance for Cornelia de Lange syndrome 5. Last evaluated: 2023-11-02. Review status: criteria provided, single submitter. Criteria: Invitae Variant Classification Sherloc (09022015). Collection method: clinical testing. Allele origin: germline.
Comment: This sequence change falls in intron 1 of the HDAC8 gene. It does not directly change the encoded amino acid sequence of the HDAC8 protein. It affects a nucleotide within the consensus splice site. This variant is not present in population databases (gnomAD no frequency). This variant has not been reported in the literature in individuals affected with HDAC8-related conditions. Variants that disrupt the consensus splice site are a relatively common cause of aberrant splicing (PMID: 17576681, 9536098). Algorithms developed to predict the effect of sequence changes on RNA splicing suggest that this variant is not likely to affect RNA splicing. In summary, the available evidence is currently insufficient to determine the role of this variant in disease. Therefore, it has been classified as a Variant of Uncertain Significance.

Literature cited by the submitters: PubMed 17576681 (cited by Labcorp Genetics (formerly Invitae), Labcorp); PubMed 9536098 (cited by Labcorp Genetics (formerly Invitae), Labcorp).

NM_018486.3(HDAC8):c.111+6G>A

Gene: HDAC8 (histone deacetylase 8; minus strand). Cytogenetic location: Xq13.1.
Variant type: single nucleotide variant.
Coding change: c.111+6G>A on transcript NM_018486.3 (MANE Select); 6 bases into the intron after coding-DNA position 111, G replaced by A.
Molecular consequence: intron variant.
Genome position (GRCh38, 1-based): chrX:72,572,645, C>T on the plus strand (G>A on the coding strand, the complement: HDAC8 is on the minus strand). VCF-style: chrX-72572645-C-T. GRCh37 (hg19) VCF-style: chrX-71792495-C-T.
Other names: c.111+6G>A (NM_001166418.2, NM_001410728.1, NM_001410727.1 and 7 more transcripts).
Identifiers: ClinVar variation 2783428 (VCV002783428.4), dbSNP rs2147618314, ClinGen allele CA2694054655.